The following is an entry in ClinVar:

NM_001282225.2(ADA2):c.980A>G (p.His327Arg)

Gene: ADA2 (adenosine deaminase 2; minus strand). Cytogenetic location: 22q11.1.
Variant type: single nucleotide variant.
Coding change: c.980A>G on transcript NM_001282225.2 (MANE Select); coding-DNA position 980, A replaced by G.
Protein change: p.His327Arg; replaces histidine 327 with arginine.
Molecular consequence: missense variant.
Genome position (GRCh38, 1-based): chr22:17,188,440, T>C on the plus strand (A>G on the coding strand, the complement: ADA2 is on the minus strand). VCF-style: chr22-17188440-T-C. GRCh37 (hg19) VCF-style: chr22-17669330-T-C.
Other names: c.980A>G, p.His327Arg (NM_001282226.2); c.854A>G, p.His285Arg (NM_001282227.2, NM_001282228.2); c.620A>G, p.His207Arg (NM_001282229.2); c.257A>G, p.His86Arg (NM_177405.3); short protein forms H327R, H285R, H86R, H207R.
Identifiers: ClinVar variation 1900097 (VCV001900097.5), dbSNP rs2517294709, ClinGen allele CA410233558.

ClinVar aggregate classification (germline): Uncertain significance (1 of 4 stars; one submission).

Conditions:
Deficiency of adenosine deaminase 2. Also called: Adenosine Deaminase 2 Deficiency; VASCULITIS, AUTOINFLAMMATION, IMMUNODEFICIENCY, AND HEMATOLOGIC DEFECTS SYNDROME; Polyarteritis nodosa, childhoood-onset. Identifiers: Orphanet 404553, MedGen C3887654, MONDO:0014306, OMIM 615688, MONDO:0100317.

Allele frequency attached by ClinVar (database versions not stated): gnomAD exomes below 0.00001.
gnomAD v4.1: 1 of 1,610,584 alleles (0.000062%); highest among the groups gnomAD compares: Non-Finnish European, 0.000085%; no homozygotes.

Submission:

Labcorp Genetics (formerly Invitae), Labcorp
Classification: Uncertain significance for Deficiency of adenosine deaminase 2. Last evaluated: 2024-05-17. Review status: criteria provided, single submitter. Criteria: Invitae Variant Classification Sherloc (09022015). Collection method: clinical testing. Allele origin: germline.
Comment: This sequence change replaces histidine, which is basic and polar, with arginine, which is basic and polar, at codon 327 of the ADA2 protein (p.His327Arg). This variant is not present in population databases (gnomAD no frequency). This variant has not been reported in the literature in individuals affected with ADA2-related conditions. ClinVar contains an entry for this variant (Variation ID: 1900097). Advanced modeling of protein sequence and biophysical properties (such as structural, functional, and spatial information, amino acid conservation, physicochemical variation, residue mobility, and thermodynamic stability) performed at Invitae indicates that this missense variant is not expected to disrupt ADA2 protein function with a negative predictive value of 95%. In summary, the available evidence is currently insufficient to determine the role of this variant in disease. Therefore, it has been classified as a Variant of Uncertain Significance.